The following is an entry in ClinVar:

ClinVar aggregate classification (germline): Benign (1 of 4 stars; one submission).

Conditions:
Holoprosencephaly 11 (HPE11). Identifiers: Orphanet 2162, MedGen C3280215, MONDO:0013642, OMIM 614226.

Allele frequency attached by ClinVar (database versions not stated): TOPMed 0.00016; gnomAD 0.00004 and 0.00036; 1000 Genomes Project 0.00300.

Submission:

Illumina Laboratory Services, Illumina
Classification: Benign for Holoprosencephaly 11. Last evaluated: 2018-01-13. Review status: criteria provided, single submitter. Criteria: ICSL Variant Classification Criteria 13 December 2019. Collection method: clinical testing. Allele origin: germline.
Comment: This variant was observed in the ICSL laboratory as part of a predisposition screen in an ostensibly healthy population. It had not been previously curated by ICSL or reported in the Human Gene Mutation Database (HGMD: prior to June 1st, 2018), and was therefore a candidate for classification through an automated scoring system. Utilizing variant allele frequency, disease prevalence and penetrance estimates, and inheritance mode, an automated score was calculated to assess if this variant is too frequent to cause the disease. Based on the score and internal cut-off values, a variant classified as benign is not then subjected to further curation. The score for this variant resulted in a classification of benign for this disease.

NM_001378964.1(CDON):c.*1307T>G

Gene: CDON (cell adhesion associated, oncogene regulated; minus strand). Cytogenetic location: 11q24.2.
Variant type: single nucleotide variant.
Coding change: c.*1307T>G on transcript NM_001378964.1 (MANE Select); 1307 bases downstream of the stop codon, T replaced by G.
Molecular consequence: 3 prime UTR variant.
Genome position (GRCh38, 1-based): chr11:125,959,635, A>C on the plus strand (T>G on the coding strand, the complement: CDON is on the minus strand). VCF-style: chr11-125959635-A-C. GRCh37 (hg19) VCF-style: chr11-125829530-A-C.
Other names: c.*1307T>G (NM_001243597.3, NM_016952.6).
Identifiers: ClinVar variation 303467 (VCV000303467.5), dbSNP rs539481575, ClinGen allele CA10630336.
Genomic context (GRCh38, chr11:125,959,635, plus strand): 5'-AATTTCAGGAAAAAAACCCAAAACAAACAAACAAAAAAAAACAAAAAACAAACAAACAAA[A>C]AAAAACCCTTTTCTTCCAAAGTAAGTCTTTTCTGACACTCACCCCTGCAGGCCGTTGCCT-3'